The following is an entry in ClinVar:

ClinVar aggregate classification (germline): Uncertain significance (1 of 4 stars; one submission).

gnomAD v4.1: 6 of 1,611,418 alleles (0.00037%); highest among the groups gnomAD compares: Non-Finnish European, 0.00042%; no homozygotes.

Submission:

Women's Health and Genetics/Laboratory Corporation of America, LabCorp
Classification: Uncertain significance. Last evaluated: 2025-09-16. Review status: criteria provided, single submitter. Criteria: LabCorp Variant Classification Summary - May 2015. Collection method: clinical testing. Allele origin: germline.
Comment: Variant summary: SOD1 c.164C>G (p.Thr55Arg) results in a non-conservative amino acid change in the encoded protein sequence. Algorithms developed to predict the effect of missense changes on protein structure and function all suggest that this variant is likely to be disruptive. The variant was absent in 251488 control chromosomes (gnomAD). c.164C>G has been observed in an individual affected with Amyotrophic lateral sclerosis type 1-AD (Andersen_2003). These data do not allow any conclusion about variant significance. Publications report experimental evidence evaluating an impact on protein function. The most pronounced variant effect results in 10%-<30% of normal SOD1 expression (Chen_2023). The following publications have been ascertained in the context of this evaluation (PMID: 14506936, 23280792, 36376198). No submitters have cited clinical-significance assessments for this variant to ClinVar. Based on the evidence outlined above, the variant was classified as VUS-possibly pathogenic.

Literature cited by the submitters: PubMed 36376198; PubMed 14506936; PubMed 23280792.

NM_000454.5(SOD1):c.164C>G (p.Thr55Arg)

Gene: SOD1 (superoxide dismutase 1; plus strand). Cytogenetic location: 21q22.11.
Variant type: single nucleotide variant.
Coding change: c.164C>G on transcript NM_000454.5 (MANE Select); coding-DNA position 164, C replaced by G.
Protein change: p.Thr55Arg; replaces threonine 55 with arginine.
Molecular consequence: missense variant.
Genome position (GRCh38, 1-based): chr21:31,663,881, C>G. VCF-style: chr21-31663881-C-G. GRCh37 (hg19) VCF-style: chr21-33036194-C-G.
Other names: short protein forms T55R.
Identifiers: ClinVar variation 4535488 (VCV004535488.1).